The following is an entry in ClinVar:

ClinVar aggregate classification (germline): Uncertain significance (1 of 4 stars; one submission).

Conditions:
Fanconi anemia (FA). Also called: Fanconi's anemia. Identifiers: Orphanet 84, MedGen C0015625, MeSH D005199, MONDO:0019391.

Submission:

Labcorp Genetics (formerly Invitae), Labcorp
Classification: Uncertain significance for Fanconi anemia. Last evaluated: 2024-09-14. Review status: criteria provided, single submitter. Criteria: Invitae Variant Classification Sherloc (09022015). Collection method: clinical testing. Allele origin: germline.
Comment: This sequence change replaces glutamine, which is neutral and polar, with glutamic acid, which is acidic and polar, at codon 686 of the FANCI protein (p.Gln686Glu). This variant is not present in population databases (gnomAD no frequency). This variant has not been reported in the literature in individuals affected with FANCI-related conditions. An algorithm developed to predict the effect of missense changes on protein structure and function outputs the following: PolyPhen-2: "Benign". The glutamic acid amino acid residue is found in multiple mammalian species, which suggests that this missense change does not adversely affect protein function. In summary, the available evidence is currently insufficient to determine the role of this variant in disease. Therefore, it has been classified as a Variant of Uncertain Significance.

NM_001113378.2(FANCI):c.2056C>G (p.Gln686Glu)

Gene: FANCI (FA complementation group I; plus strand). Cytogenetic location: 15q26.1.
Variant type: single nucleotide variant.
Coding change: c.2056C>G on transcript NM_001113378.2 (MANE Select); coding-DNA position 2056, C replaced by G.
Protein change: p.Gln686Glu; replaces glutamine 686 with glutamic acid.
Molecular consequence: missense variant.
Genome position (GRCh38, 1-based): chr15:89,292,751, C>G. VCF-style: chr15-89292751-C-G. GRCh37 (hg19) VCF-style: chr15-89835982-C-G.
Other names: c.1777C>G, p.Gln593Glu (NM_001376910.1); c.2056C>G, p.Gln686Glu (NM_001376911.1, NM_018193.3); short protein forms Q593E, Q686E.
Identifiers: ClinVar variation 3665233 (VCV003665233.1).